The following is an entry in ClinVar:

ClinVar aggregate classification (germline): Likely pathogenic (1 of 4 stars; one submission).

Conditions:
Ovarian cancer. Also called: OVARIAN CANCER, SOMATIC. Identifiers: Orphanet 213500, MedGen C1140680, MONDO:0008170, OMIM 167000.

Submissions (2):

Laboratory of Molecular Epidemiology of Birth Defects, West China Second University Hospital, Sichuan University
Classification: Likely pathogenic for Ovarian cancer. Last evaluated: 2022-01-01. Review status: criteria provided, single submitter. Criteria: ACMG Guidelines, 2015. Collection method: clinical testing. Allele origin: germline. Affected: yes.

Brotman Baty Institute, University of Washington
No classification provided (evidence only). Condition: Breast-ovarian cancer, familial 1. Review status: no classification provided. Collection method: in vitro. Allele origin: not applicable. Functional consequence: functionally_normal. Not counted in ClinVar's aggregate classification.
ClinVar note: "not provided" was previously submitted as the classification for the variant. However, the classification appeared to be based only on an observation of functional data so it was converted to no classification on 2025-07-30.

NM_007294.4(BRCA1):c.5488G>T (p.Ala1830Ser)

Gene: BRCA1 (BRCA1 DNA repair associated; minus strand). Cytogenetic location: 17q21.31.
Variant type: single nucleotide variant.
Coding change: c.5488G>T on transcript NM_007294.4 (MANE Select); coding-DNA position 5488, G replaced by T.
Protein change: p.Ala1830Ser; replaces alanine 1830 with serine.
Molecular consequence: missense variant. On other transcripts: 3 prime UTR variant (1), non-coding transcript variant (1).
Genome position (GRCh38, 1-based): chr17:43,045,782, C>A on the plus strand (G>T on the coding strand, the complement: BRCA1 is on the minus strand). VCF-style: chr17-43045782-C-A. GRCh37 (hg19) VCF-style: chr17-41197799-C-A.
Other names: c.5410G>T, p.Ala1804Ser (NM_001407655.1, NM_001407652.1, NM_001407653.1 and 1 more transcripts); c.5407G>T, p.Ala1803Ser (NM_001407656.1, NM_001407657.1, NM_001407658.1); c.5404G>T, p.Ala1802Ser (NM_001407659.1, NM_001407660.1, NM_001407661.1 and 2 more transcripts); c.5365G>T, p.Ala1789Ser (NM_001407664.1, NM_001407665.1, NM_001407666.1 and 3 more transcripts); c.5347G>T, p.Ala1783Ser (NM_001407694.1, NM_001407695.1, NM_001407696.1 and 12 more transcripts); c.5341G>T, p.Ala1781Ser (NM_001407843.1, NM_001407844.1, NM_001407845.1 and 12 more transcripts); c.2242G>T, p.Ala748Ser (NM_001407972.1); c.2179G>T, p.Ala727Ser (NM_001407973.1, NM_001407974.1, NM_001407975.1 and 3 more transcripts); and 74 more; short protein forms A1830S, A1783S, A726S, A1851S, A1701S, A1717S, A1718S, A1742S.
Identifiers: ClinVar variation 864931 (VCV000864931.5), dbSNP rs80357393, ClinGen allele CA10590327.